The following is an entry in ClinVar:

ClinVar aggregate classification (germline): Benign. Review status: criteria provided, multiple submitters, no conflicts (2 of 4 stars). 3 submissions from 3 submitters: Benign (3). Last evaluated 2025-12-01.

Conditions:
L-2-hydroxyglutaric aciduria (L2HGA). Identifiers: Orphanet 79314, MedGen C1855995, MONDO:0009370, OMIM 236792, HP:0040144.

Allele frequency attached by ClinVar (database versions not stated): TOPMed 0.00005; ExAC 0.00180; 1000 Genomes Project 0.00280; 1000 Genomes Project 30x 0.00297.
gnomAD v4.1: 1,266 of 1,614,108 alleles (0.078%); highest among the groups gnomAD compares: South Asian, 1.3%; 21 homozygotes.

Submissions (3):

Labcorp Genetics (formerly Invitae), Labcorp
Classification: Benign for L-2-hydroxyglutaric aciduria. Last evaluated: 2025-12-01. Review status: criteria provided, single submitter. Criteria: Invitae Variant Classification Sherloc (09022015). Collection method: clinical testing. Allele origin: germline.

CeGaT Center for Human Genetics Tuebingen
Classification: Benign. Last evaluated: 2023-04-01. Review status: criteria provided, single submitter. Criteria: CeGaT Center For Human Genetics Tuebingen Variant Classification Criteria Version 2. Collection method: clinical testing. Allele origin: germline. Affected: yes. Observed: 1 variant allele.
Comment: L2HGDH: BP4, BS1, BS2

Breakthrough Genomics
Classification: Benign. Review status: criteria provided, single submitter. Criteria: ACMG Guidelines, 2015. Collection method: not provided. Allele origin: germline. Inheritance: Autosomal recessive inheritance. Affected: yes.

NM_024884.3(L2HGDH):c.647A>G (p.Asn216Ser)

Gene: L2HGDH (L-2-hydroxyglutarate dehydrogenase; minus strand). Cytogenetic location: 14q21.3.
Variant type: single nucleotide variant.
Coding change: c.647A>G on transcript NM_024884.3 (MANE Select); coding-DNA position 647, A replaced by G.
Protein change: p.Asn216Ser; replaces asparagine 216 with serine.
Molecular consequence: missense variant.
Genome position (GRCh38, 1-based): chr14:50,283,927, T>C on the plus strand (A>G on the coding strand, the complement: L2HGDH is on the minus strand). VCF-style: chr14-50283927-T-C. GRCh37 (hg19) VCF-style: chr14-50750645-T-C.
Other names: short protein forms N216S.
Identifiers: ClinVar variation 788189 (VCV000788189.34), dbSNP rs574500803, ClinGen allele CA7177949.
Genomic context (GRCh38, chr14:50,283,927, plus strand): 5'-TTACCATCTATACTTCTTGAAGGACTTTCTTTAGCCATTTCAATACCTTTTACTTCAAAA[T>C]TGGTCAAGACAGAGCCACCTGCTTCTTGGAAATCCTGGGCAAATGACAAAGCCACCTGCC-3'
Protein context (NP_079160.1, residues 206-226): FQEAGGSVLT[Asn216Ser]FEVKGIEMAK